The following is an entry in ClinVar:

ClinVar aggregate classification (germline): Conflicting classifications of pathogenicity. Review status: criteria provided, conflicting classifications (1 of 4 stars). 3 submissions from 3 submitters: Uncertain significance (1); Likely benign (1). 1 of the submissions does not count toward it. Last evaluated 2026-03-05.

Conditions:
JAG2-related disorder. Also called: JAG2-related condition.

Allele frequency attached by ClinVar (database versions not stated): TOPMed 0.00066; gnomAD exomes 0.00091; ESP Exome Variant Server 0.00117; ExAC 0.00202.
gnomAD v4.1: 1,443 of 1,566,440 alleles (0.092%); highest among the groups gnomAD compares: Non-Finnish European, 0.099%; 2 homozygotes.

Submissions (3):

Women's Health and Genetics/Laboratory Corporation of America, LabCorp
Classification: Likely benign. Last evaluated: 2026-03-05. Review status: criteria provided, single submitter. Criteria: LabCorp Variant Classification Summary - May 2015. Collection method: clinical testing. Allele origin: germline.
Comment: Variant summary: JAG2 c.2459C>T (p.Ala820Val) results in a non-conservative amino acid change in the encoded protein sequence. Algorithms developed to predict the effect of missense changes on protein structure and function all suggest that this variant is likely to be disruptive. The variant allele was found at a frequency of 0.0011 in 177426 control chromosomes, predominantly at a frequency of 0.0015 within the Non-Finnish European subpopulation in the gnomAD database. The observed variant frequency within Non-Finnish European control individuals in the gnomAD database exceeds the estimated maximal expected allele frequency for disease-causing variants in JAG2. To our knowledge, no occurrence of c.2459C>T in individuals affected with JAG2-related conditions and no experimental evidence demonstrating its impact on protein function have been reported. ClinVar contains an entry for this variant (Variation ID: 3039536). Based on the evidence outlined above, the variant was classified as likely benign.

Mayo Clinic Laboratories, Mayo Clinic
Classification: Uncertain significance. Last evaluated: 2024-02-28. Review status: criteria provided, single submitter. Criteria: ACMG Guidelines, 2015. Collection method: clinical testing. Allele origin: germline. Observed: 1 variant allele.
Comment: BS1

PreventionGenetics, part of Exact Sciences
Classification: Likely benign for JAG2-related condition. Last evaluated: 2022-03-28. Review status: no assertion criteria provided. Collection method: clinical testing. Allele origin: germline. Not counted in ClinVar's aggregate classification.
Comment: This variant is classified as likely benign based on ACMG/AMP sequence variant interpretation guidelines (Richards et al. 2015 PMID: 25741868, with internal and published modifications).

NM_002226.5(JAG2):c.2459C>T (p.Ala820Val)

Gene: JAG2 (jagged canonical Notch ligand 2; minus strand). Cytogenetic location: 14q32.33.
Variant type: single nucleotide variant.
Coding change: c.2459C>T on transcript NM_002226.5 (MANE Select); coding-DNA position 2459, C replaced by T.
Protein change: p.Ala820Val; replaces alanine 820 with valine.
Molecular consequence: missense variant.
Genome position (GRCh38, 1-based): chr14:105,147,346, G>A on the plus strand (C>T on the coding strand, the complement: JAG2 is on the minus strand). VCF-style: chr14-105147346-G-A. GRCh37 (hg19) VCF-style: chr14-105613683-G-A.
Other names: p.Ala820Val; c.2345C>T, p.Ala782Val (NM_145159.3); short protein forms A782V, A820V.
Identifiers: ClinVar variation 3039536 (VCV003039536.4), dbSNP rs148440032, ClinGen allele CA7385586.